The following is an entry in ClinVar:

NM_004260.4(RECQL4):c.1985C>A (p.Pro662His)

Gene: RECQL4 (RecQ like helicase 4; minus strand). Cytogenetic location: 8q24.3.
Variant type: single nucleotide variant.
Coding change: c.1985C>A on transcript NM_004260.4 (MANE Select); coding-DNA position 1985, C replaced by A.
Protein change: p.Pro662His; replaces proline 662 with histidine.
Molecular consequence: missense variant.
Genome position (GRCh38, 1-based): chr8:144,514,001, G>T on the plus strand (C>A on the coding strand, the complement: RECQL4 is on the minus strand). VCF-style: chr8-144514001-G-T. GRCh37 (hg19) VCF-style: chr8-145739385-G-T.
Other names: short protein forms P662H.
Identifiers: ClinVar variation 1385988 (VCV001385988.6), dbSNP rs1586808386, ClinGen allele CA372680362.

ClinVar aggregate classification (germline): Uncertain significance (1 of 4 stars; one submission).

Conditions:
Baller-Gerold syndrome (BGS). Also called: CRANIOSYNOSTOSIS WITH RADIAL DEFECTS. Identifiers: Orphanet 1225, MedGen C0265308, MONDO:0009039, OMIM 218600.

Submission:

Labcorp Genetics (formerly Invitae), Labcorp
Classification: Uncertain significance for Baller-Gerold syndrome. Last evaluated: 2021-06-22. Review status: criteria provided, single submitter. Criteria: Invitae Variant Classification Sherloc (09022015). Collection method: clinical testing. Allele origin: germline.
Comment: This sequence change replaces proline with histidine at codon 662 of the RECQL4 protein (p.Pro662His). The proline residue is weakly conserved and there is a moderate physicochemical difference between proline and histidine. This variant is not present in population databases (ExAC no frequency). This variant has not been reported in the literature in individuals with RECQL4-related conditions. Experimental studies and prediction algorithms are not available or were not evaluated, and the functional significance of this variant is currently unknown. In summary, the available evidence is currently insufficient to determine the role of this variant in disease. Therefore, it has been classified as a Variant of Uncertain Significance.